The following is an entry in ClinVar:

NM_000123.4(ERCC5):c.-74G>A

Genes: BIVM-ERCC5 (BIVM-ERCC5 readthrough; plus strand), ERCC5 (ERCC excision repair 5, endonuclease; plus strand). Cytogenetic location: 13q33.1.
Variant type: single nucleotide variant.
Coding change: c.-74G>A on transcript NM_000123.4 (MANE Select); 74 bases upstream of the start codon, G replaced by A.
Molecular consequence: 5 prime UTR variant. On other transcripts: intron variant (1).
Genome position (GRCh38, 1-based): chr13:102,846,193, G>A. VCF-style: chr13-102846193-G-A. GRCh37 (hg19) VCF-style: chr13-103498543-G-A.
Other names: c.1451-5925G>A (NM_001204425.2, NM_001204425.1).
Identifiers: ClinVar variation 310909 (VCV000310909.10), dbSNP rs3218736, ClinGen allele CA10643659.
Genomic context (GRCh38, chr13:102,846,193, plus strand): 5'-TCTGTATTATTTGCCATCTTTGTTGTGTAGGAGCAGGGAGGGCTTCCTCCCGGGGTCCTA[G>A]GCGGCGGTGCAGTCCGTCGTAGAAGAATTAGAGTAGAAGTTGTCGGGGTCCGCTCTTAGG-3'

ClinVar aggregate classification (germline): Benign. Review status: criteria provided, multiple submitters, no conflicts (2 of 4 stars). 4 submissions from 4 submitters: Benign (4). Last evaluated 2025-02-01.

Conditions:
Xeroderma pigmentosum, group G (XPG). Also called: XERODERMA PIGMENTOSUM VII; XP, GROUP G; Xeroderma pigmentosum type 7; ERCC5-Related Xeroderma Pigmentosum. Identifiers: MedGen C0268141, MONDO:0010216, OMIM 278780.

Allele frequency attached by ClinVar (database versions not stated): gnomAD 0.01531 and 0.01632; TOPMed 0.01758; 1000 Genomes Project 0.02077; 1000 Genomes Project 30x 0.02249.
gnomAD v4.1: 4,309 of 1,302,376 alleles (0.33%); highest among the groups gnomAD compares: African/African-American, 5.2%; 86 homozygotes.

Submissions (4):

KCCC/NGS Laboratory, Kuwait Cancer Control Center
Classification: Benign for Xeroderma pigmentosum, group G. Last evaluated: 2025-02-01. Review status: criteria provided, single submitter. Criteria: ACMG Guidelines, 2015. Collection method: clinical testing. Allele origin: germline. Affected: no.

GeneDx
Classification: Benign. Last evaluated: 2019-04-03. Review status: criteria provided, single submitter. Criteria: GeneDx Variant Classification Process June 2021. Collection method: clinical testing. Allele origin: germline. Affected: yes.

Illumina Laboratory Services, Illumina
Classification: Benign for Xeroderma pigmentosum, group G. Last evaluated: 2018-01-12. Review status: criteria provided, single submitter. Criteria: ICSL Variant Classification Criteria 13 December 2019. Collection method: clinical testing. Allele origin: germline.
Comment: This variant was observed in the ICSL laboratory as part of a predisposition screen in an ostensibly healthy population. It had not been previously curated by ICSL or reported in the Human Gene Mutation Database (HGMD: prior to June 1st, 2018), and was therefore a candidate for classification through an automated scoring system. Utilizing variant allele frequency, disease prevalence and penetrance estimates, and inheritance mode, an automated score was calculated to assess if this variant is too frequent to cause the disease. Based on the score and internal cut-off values, a variant classified as benign is not then subjected to further curation. The score for this variant resulted in a classification of benign for this disease.

Breakthrough Genomics
Classification: Benign. Review status: criteria provided, single submitter. Criteria: ACMG Guidelines, 2015. Collection method: not provided. Allele origin: germline. Inheritance: Autosomal recessive inheritance. Affected: yes.